The following is an entry in ClinVar:

NM_021927.3(GUF1):c.1793C>G (p.Ala598Gly)

Gene: GUF1 (GTP binding elongation factor GUF1; plus strand). Cytogenetic location: 4p12.
Variant type: single nucleotide variant.
Coding change: c.1793C>G on transcript NM_021927.3 (MANE Select); coding-DNA position 1793, C replaced by G.
Protein change: p.Ala598Gly; replaces alanine 598 with glycine.
Molecular consequence: missense variant. On other transcripts: intron variant (1).
Genome position (GRCh38, 1-based): chr4:44,695,692, C>G. VCF-style: chr4-44695692-C-G. GRCh37 (hg19) VCF-style: chr4-44697709-C-G.
Other names: c.821C>G, p.Ala274Gly (NM_001345867.2, NM_001345869.2); c.1715+1179C>G (NM_001345868.2); short protein forms A274G, A598G.
Identifiers: ClinVar variation 1984812 (VCV001984812.6), dbSNP rs780822009, ClinGen allele CA2905757.

ClinVar aggregate classification (germline): Uncertain significance. Review status: criteria provided, multiple submitters, no conflicts (2 of 4 stars). 2 submissions from 2 submitters: Uncertain significance (2). Last evaluated 2024-02-08.

Allele frequency attached by ClinVar (database versions not stated): gnomAD exomes below 0.00001; ExAC 0.00001.
gnomAD v4.1: 2 of 1,612,750 alleles (0.00012%); highest among the groups gnomAD compares: South Asian, 0.0011%; no homozygotes.

Submissions (2):

Women's Health and Genetics/Laboratory Corporation of America, LabCorp
Classification: Uncertain significance. Last evaluated: 2024-02-08. Review status: criteria provided, single submitter. Criteria: LabCorp Variant Classification Summary - May 2015. Collection method: clinical testing. Allele origin: germline.
Comment: Variant summary: GUF1 c.1793C>G (p.Ala598Gly) results in a non-conservative amino acid change located in the GTP-binding protein LepA, C-terminal (IPR013842) of the encoded protein sequence. Five of five in-silico tools predict a damaging effect of the variant on protein function. The variant allele was found at a frequency of 4e-06 in 250136 control chromosomes. The available data on variant occurrences in the general population are insufficient to allow any conclusion about variant significance. To our knowledge, no occurrence of c.1793C>G in individuals affected with Early Infantile Epileptic Encephalopathy, 40 and no experimental evidence demonstrating its impact on protein function have been reported. ClinVar contains an entry for this variant (Variation ID: 1984812). Based on the evidence outlined above, the variant was classified as uncertain significance.

Labcorp Genetics (formerly Invitae), Labcorp
Classification: Uncertain significance. Last evaluated: 2022-09-12. Review status: criteria provided, single submitter. Criteria: Invitae Variant Classification Sherloc (09022015). Collection method: clinical testing. Allele origin: germline.
Comment: In summary, the available evidence is currently insufficient to determine the role of this variant in disease. Therefore, it has been classified as a Variant of Uncertain Significance. Algorithms developed to predict the effect of missense changes on protein structure and function are either unavailable or do not agree on the potential impact of this missense change (SIFT: "Deleterious"; PolyPhen-2: "Probably Damaging"; Align-GVGD: "Class C0"). This variant has not been reported in the literature in individuals affected with GUF1-related conditions. This variant is present in population databases (rs780822009, gnomAD 0.0009%). This sequence change replaces alanine, which is neutral and non-polar, with glycine, which is neutral and non-polar, at codon 598 of the GUF1 protein (p.Ala598Gly).